The following is an entry in ClinVar:

ClinVar aggregate classification (germline): Conflicting classifications of pathogenicity. Review status: criteria provided, conflicting classifications (1 of 4 stars). 2 submissions from 2 submitters: Uncertain significance (1); Likely benign (1). Last evaluated 2025-12-22.

Conditions:
Congenital myotonia, autosomal dominant form (THD). Also called: THOMSEN DISEASE; Myotonia congenita autosomal dominant. Identifiers: Orphanet 614, MedGen C2936781, MONDO:0008055, OMIM 160800.
Congenital myotonia, autosomal recessive form. Also called: BECKER DISEASE; Becker Generalized Myotonia; myotonia congenita, autosomal recessive. Identifiers: Orphanet 614, MedGen C0751360, MONDO:0009715, OMIM 255700.

gnomAD v4.1: 2 of 1,612,732 alleles (0.00012%); no homozygotes.

Submissions (2):

Labcorp Genetics (formerly Invitae), Labcorp
Classification: Likely benign for Congenital myotonia, autosomal recessive form; Congenital myotonia, autosomal dominant form. Last evaluated: 2025-12-22. Review status: criteria provided, single submitter. Criteria: Invitae Variant Classification Sherloc (09022015). Collection method: clinical testing. Allele origin: germline.

Women's Health and Genetics/Laboratory Corporation of America, LabCorp
Classification: Uncertain significance. Last evaluated: 2024-11-29. Review status: criteria provided, single submitter. Criteria: LabCorp Variant Classification Summary - May 2015. Collection method: clinical testing. Allele origin: germline.
Comment: Variant summary: CLCN1 c.1796+7G>C alters a non-conserved nucleotide located close to a canonical splice site and therefore could affect mRNA splicing, leading to a significantly altered protein sequence. Consensus agreement among computation tools predict no significant impact on normal splicing. However, these predictions have yet to be confirmed by functional studies. The variant was absent in 250876 control chromosomes. The available data on variant occurrences in the general population are insufficient to allow any conclusion about variant significance. To our knowledge, no occurrence of c.1796+7G>C in individuals affected with Congenital Myotonia, Autosomal Recessive Form and no experimental evidence demonstrating its impact on protein function have been reported. ClinVar contains an entry for this variant (Variation ID: 2923175). Based on the evidence outlined above, the variant was classified as uncertain significance.

NM_000083.3(CLCN1):c.1796+7G>C

Gene: CLCN1 (chloride voltage-gated channel 1; plus strand). Cytogenetic location: 7q34.
Variant type: single nucleotide variant.
Coding change: c.1796+7G>C on transcript NM_000083.3 (MANE Select); 7 bases into the intron after coding-DNA position 1796, G replaced by C.
Molecular consequence: intron variant.
Genome position (GRCh38, 1-based): chr7:143,342,149, G>C. VCF-style: chr7-143342149-G-C. GRCh37 (hg19) VCF-style: chr7-143039242-G-C.
Identifiers: ClinVar variation 2923175 (VCV002923175.5), dbSNP rs1237574012, ClinGen allele CA2579050871.